The following is an entry in ClinVar:

ClinVar aggregate classification (germline): Likely benign. Review status: criteria provided, single submitter (1 of 4 stars). 2 submissions from 2 submitters: Likely benign (1). 1 of the submissions does not count toward it. Last evaluated 2026-01-26.

Conditions:
NFKB2-related disorder. Also called: NFKB2-related condition.
Immunodeficiency, common variable, 10. Also called: DEFICIT IN ANTERIOR PITUITARY FUNCTION AND VARIABLE IMMUNODEFICIENCY; IMMUNODEFICIENCY, COMMON VARIABLE, WITH CENTRAL ADRENAL INSUFFICIENCY. Identifiers: MedGen C3809991, MONDO:0014260, OMIM 615577.

Allele frequency attached by ClinVar (database versions not stated): ExAC 0.00001; gnomAD 0.00001; TOPMed 0.00002; gnomAD exomes 0.00003; ESP Exome Variant Server 0.00008.
gnomAD v4.1: 42 of 1,613,314 alleles (0.0026%); highest among the groups gnomAD compares: Admixed American, 0.005%; no homozygotes.

Submissions (2):

Labcorp Genetics (formerly Invitae), Labcorp
Classification: Likely benign for Immunodeficiency, common variable, 10. Last evaluated: 2026-01-26. Review status: criteria provided, single submitter. Criteria: Invitae Variant Classification Sherloc (09022015). Collection method: clinical testing. Allele origin: germline.

PreventionGenetics, part of Exact Sciences
Classification: Likely benign for NFKB2-related condition. Last evaluated: 2020-03-30. Review status: no assertion criteria provided. Collection method: clinical testing. Allele origin: germline. Not counted in ClinVar's aggregate classification.
Comment: This variant is classified as likely benign based on ACMG/AMP sequence variant interpretation guidelines (Richards et al. 2015 PMID: 25741868, with internal and published modifications).

NM_001322934.2(NFKB2):c.360C>T (p.Cys120=)

Gene: NFKB2 (nuclear factor kappa B subunit 2; plus strand). Cytogenetic location: 10q24.32.
Variant type: single nucleotide variant.
Coding change: c.360C>T on transcript NM_001322934.2 (MANE Select); coding-DNA position 360, C replaced by T.
Protein change: p.Cys120=; no amino-acid change (cysteine 120 retained).
Molecular consequence: synonymous variant.
Genome position (GRCh38, 1-based): chr10:102,397,020, C>T. VCF-style: chr10-102397020-C-T. GRCh37 (hg19) VCF-style: chr10-104156777-C-T.
Other names: c.360C>T, p.Cys120= (NM_001077494.3, NM_001261403.3, NM_001288724.1 and 2 more transcripts).
Identifiers: ClinVar variation 1122012 (VCV001122012.11), dbSNP rs373367494, ClinGen allele CA5664510.